The following is an entry in ClinVar:

ClinVar aggregate classification (germline): Likely benign. Review status: criteria provided, multiple submitters, no conflicts (2 of 4 stars). 3 submissions from 3 submitters: Likely benign (3). Last evaluated 2026-05-13.

Conditions:
Hereditary cancer-predisposing syndrome. Also called: Hereditary neoplastic syndrome; Neoplastic Syndromes, Hereditary; Hereditary Cancer Syndrome; Tumor predisposition. Identifiers: Orphanet 140162, MedGen C0027672, MeSH D009386, MONDO:0015356.
Cardiovascular phenotype. Identifiers: MedGen CN230736.
Neurofibromatosis, type 1 (NF1). Also called: Peripheral type neurofibromatosis; Neurofibromatosis, type I; VON RECKLINGHAUSEN DISEASE; NEUROFIBROMATOSIS, TYPE I, SOMATIC. Identifiers: Orphanet 636, MedGen C0027831, MONDO:0018975, OMIM 162200. Disease mechanism: loss of function.

Allele frequency attached by ClinVar (database versions not stated): gnomAD exomes below 0.00001.
gnomAD v4.1: 1 of 1,613,732 alleles (0.000062%); highest among the groups gnomAD compares: Non-Finnish European, 0.000085%; no homozygotes.

Submissions (3):

Myriad Genetics, Inc.
Classification: Likely benign for Neurofibromatosis, type 1. Last evaluated: 2026-05-13. Review status: criteria provided, single submitter. Criteria: Myriad Autosomal Dominant, Autosomal Recessive and X-Linked Classification Criteria (2023). Collection method: clinical testing. Allele origin: unknown.
Comment: This variant is considered likely benign. This variant is intronic and is not expected to impact mRNA splicing.

Ambry Genetics
Classification: Likely benign for Cardiovascular phenotype; Hereditary cancer-predisposing syndrome. Last evaluated: 2024-11-08. Review status: criteria provided, single submitter. Criteria: Ambry Variant Classification Scheme 2023. Collection method: clinical testing. Allele origin: germline.

Labcorp Genetics (formerly Invitae), Labcorp
Classification: Likely benign for Neurofibromatosis, type 1. Last evaluated: 2024-10-13. Review status: criteria provided, single submitter. Criteria: Invitae Variant Classification Sherloc (09022015). Collection method: clinical testing. Allele origin: germline.

NM_001042492.3(NF1):c.6643-4T>C

Gene: NF1 (neurofibromin 1; plus strand). Cytogenetic location: 17q11.2.
Variant type: single nucleotide variant.
Coding change: c.6643-4T>C on transcript NM_001042492.3 (MANE Select); 4 bases into the intron before coding-DNA position 6643, T replaced by C.
Molecular consequence: intron variant.
Genome position (GRCh38, 1-based): chr17:31,337,815, T>C. VCF-style: chr17-31337815-T-C. GRCh37 (hg19) VCF-style: chr17-29664833-T-C.
Other names: c.6580-4T>C (NM_000267.4).
Identifiers: ClinVar variation 457798 (VCV000457798.13), dbSNP rs1555534908, ClinGen allele CA658658567.